The following is an entry in ClinVar:

NM_014967.5(FAN1):c.2311G>A (p.Glu771Lys)

Genes: FAN1 (FANCD2 and FANCI associated nuclease 1; plus strand), MTMR10 (myotubularin related protein 10; minus strand). Cytogenetic location: 15q13.3.
Variant type: single nucleotide variant.
Coding change: c.2311G>A on transcript NM_014967.5 (MANE Select); coding-DNA position 2311, G replaced by A.
Protein change: p.Glu771Lys; replaces glutamic acid 771 with lysine.
Molecular consequence: missense variant.
Genome position (GRCh38, 1-based): chr15:30,925,265, G>A. VCF-style: chr15-30925265-G-A. GRCh37 (hg19) VCF-style: chr15-31217468-G-A.
Other names: short protein forms E771K.
Identifiers: ClinVar variation 2178312 (VCV002178312.3), dbSNP rs755300513, ClinGen allele CA7450566.

ClinVar aggregate classification (germline): Uncertain significance. Review status: criteria provided, multiple submitters, no conflicts (2 of 4 stars). 2 submissions from 2 submitters: Uncertain significance (2). Last evaluated 2024-10-16.

Conditions:
Karyomegalic interstitial nephritis. Identifiers: Orphanet 401996, MedGen C3553774, MONDO:0013898, OMIM 614817.

Allele frequency attached by ClinVar (database versions not stated): ExAC 0.00002; gnomAD exomes 0.00002; TOPMed 0.00002; gnomAD 0.00005.
gnomAD v4.1: 17 of 1,614,032 alleles (0.0011%); highest among the groups gnomAD compares: Admixed American, 0.028%; no homozygotes.

Submissions (2):

Labcorp Genetics (formerly Invitae), Labcorp
Classification: Uncertain significance. Last evaluated: 2024-10-16. Review status: criteria provided, single submitter. Criteria: Invitae Variant Classification Sherloc (09022015). Collection method: clinical testing. Allele origin: germline.
Comment: This sequence change replaces glutamic acid, which is acidic and polar, with lysine, which is basic and polar, at codon 771 of the FAN1 protein (p.Glu771Lys). This variant is present in population databases (rs755300513, gnomAD 0.03%). This variant has not been reported in the literature in individuals affected with FAN1-related conditions. ClinVar contains an entry for this variant (Variation ID: 2178312). An algorithm developed to predict the effect of missense changes on protein structure and function (PolyPhen-2) suggests that this variant is likely to be disruptive. In summary, the available evidence is currently insufficient to determine the role of this variant in disease. Therefore, it has been classified as a Variant of Uncertain Significance.

Fulgent Genetics
Classification: Uncertain significance for Karyomegalic interstitial nephritis. Last evaluated: 2024-06-10. Review status: criteria provided, single submitter. Criteria: ACMG Guidelines, 2015. Collection method: clinical testing. Allele origin: germline.